The following is an entry in ClinVar:

NM_005045.4(RELN):c.10292G>A (p.Arg3431His)

Genes: RELN (reelin; minus strand), SLC26A5-AS1 (SLC26A5 antisense RNA 1; plus strand). Cytogenetic location: 7q22.1.
Variant type: single nucleotide variant.
Coding change: c.10292G>A on transcript NM_005045.4 (MANE Select); coding-DNA position 10292, G replaced by A.
Protein change: p.Arg3431His; replaces arginine 3431 with histidine.
Molecular consequence: missense variant.
Genome position (GRCh38, 1-based): chr7:103,472,903, C>T on the plus strand (G>A on the coding strand, the complement: RELN is on the minus strand). VCF-style: chr7-103472903-C-T. GRCh37 (hg19) VCF-style: chr7-103113350-C-T.
Other names: c.10292G>A (NM_005045.3); c.10286G>A, p.Arg3429His (NM_173054.3); short protein forms R3429H, R3431H.
Identifiers: ClinVar variation 1507711 (VCV001507711.11), dbSNP rs1442266027, ClinGen allele CA368756085.

ClinVar aggregate classification (germline): Uncertain significance. Review status: criteria provided, multiple submitters, no conflicts (2 of 4 stars). 3 submissions from 3 submitters: Uncertain significance (3). Last evaluated 2025-11-18.

Conditions:
Norman-Roberts syndrome (LIS2). Also called: Lissencephaly 2 (Norman-Roberts type). Identifiers: Orphanet 89844, MedGen C0796089, MONDO:0009760, OMIM 257320.
Familial temporal lobe epilepsy 7. Identifiers: Orphanet 101046, MedGen C4225327, MONDO:0014639, OMIM 616436.
Inborn genetic diseases. Identifiers: MedGen C0950123, MeSH D030342.

Allele frequency attached by ClinVar (database versions not stated): gnomAD 0.00001; TOPMed 0.00001; gnomAD exomes 0.00002 and 0.00003.
gnomAD v4.1: 48 of 1,613,118 alleles (0.003%); highest among the groups gnomAD compares: Non-Finnish European, 0.0036%; no homozygotes.

Submissions (3):

Labcorp Genetics (formerly Invitae), Labcorp
Classification: Uncertain significance for Familial temporal lobe epilepsy 7; Norman-Roberts syndrome. Last evaluated: 2025-11-18. Review status: criteria provided, single submitter. Criteria: Invitae Variant Classification Sherloc (09022015). Collection method: clinical testing. Allele origin: germline.
Comment: This sequence change replaces arginine, which is basic and polar, with histidine, which is basic and polar, at codon 3431 of the RELN protein (p.Arg3431His). This variant is present in population databases (no rsID available, gnomAD 0.003%). This variant has not been reported in the literature in individuals affected with RELN-related conditions. ClinVar contains an entry for this variant (Variation ID: 1507711). Invitae Evidence Modeling of protein sequence and biophysical properties (such as structural, functional, and spatial information, amino acid conservation, physicochemical variation, residue mobility, and thermodynamic stability) indicates that this missense variant is not expected to disrupt RELN protein function with a negative predictive value of 80%. In summary, the available evidence is currently insufficient to determine the role of this variant in disease. Therefore, it has been classified as a Variant of Uncertain Significance.

Ambry Genetics
Classification: Uncertain significance for Inborn genetic diseases. Last evaluated: 2025-08-22. Review status: criteria provided, single submitter. Criteria: Ambry Variant Classification Scheme 2023. Collection method: clinical testing. Allele origin: germline.

Center for Genomics, Ann and Robert H. Lurie Children's Hospital of Chicago
Classification: Uncertain significance for Familial temporal lobe epilepsy 7; Norman-Roberts syndrome. Review status: criteria provided, single submitter. Criteria: ACMG Guidelines, 2015. Collection method: clinical testing. Allele origin: germline.
Comment: This variant has not been reported in the literature but is present in 0.001% (1/67996) of European alleles in the Genome Aggregation Database. Evolutionary conservation suggests that this variant may impact the protein; computational predictive tools for this variant are unclear. In summary, data on this variant is insufficient for disease classification. Therefore, the clinical significance of this variant is uncertain.